The following is an entry in ClinVar:

ClinVar aggregate classification (germline): Pathogenic (1 of 4 stars; one submission).

Submission:

CeGaT Center for Human Genetics Tuebingen
Classification: Pathogenic. Last evaluated: 2026-06-01. Review status: criteria provided, single submitter. Criteria: CeGaT Center For Human Genetics Tuebingen Variant Classification Criteria Version 2. Collection method: clinical testing. Allele origin: germline. Affected: yes. Observed: 1 variant allele.
Comment: SCN1A: PVS1, PM2

NM_001165963.4(SCN1A):c.389_391delinsGTGCATGCTAATTATGTGCATTATGTGCATTATGT (p.Phe130_Ser131delinsCysAlaCysTer)

Gene: SCN1A (sodium voltage-gated channel alpha subunit 1; minus strand). Cytogenetic location: 2q24.3.
Variant type: Indel.
Coding change: c.389_391delinsGTGCATGCTAATTATGTGCATTATGTGCATTATGT on transcript NM_001165963.4 (MANE Select); coding-DNA positions 389 to 391, the reference bases replaced by an inserted sequence.
Protein change: p.Phe130_Ser131delinsCysAlaCysTer.
Molecular consequence: nonsense. On other transcripts: 5 prime UTR variant (1), non-coding transcript variant (1).
Genome position (GRCh38, 1-based): chr2:166,056,493-166,056,495, 3 bases replaced. GRCh37 (hg19): chr2:166,913,003-166,913,005.
Other names: c.389_391delinsGTGCATGCTAATTATGTGCATTATGTGCATTATGT, p.Phe130_Ser131delinsCysAlaCysTer (NM_001165964.3, NM_001202435.3, NM_001353948.2 and 10 more transcripts); c.-2037_-2035delinsGTGCATGCTAATTATGTGCATTATGTGCATTATGT (NM_001353961.2).
Identifiers: ClinVar variation 4875463 (VCV004875463.2).